The following is an entry in ClinVar:

NM_002609.4(PDGFRB):c.1442C>A (p.Thr481Lys)

Gene: PDGFRB (platelet derived growth factor receptor beta; minus strand). Cytogenetic location: 5q32.
Variant type: single nucleotide variant.
Coding change: c.1442C>A on transcript NM_002609.4 (MANE Select); coding-DNA position 1442, C replaced by A.
Protein change: p.Thr481Lys; replaces threonine 481 with lysine.
Molecular consequence: missense variant.
Genome position (GRCh38, 1-based): chr5:150,129,894, G>T on the plus strand (C>A on the coding strand, the complement: PDGFRB is on the minus strand). VCF-style: chr5-150129894-G-T. GRCh37 (hg19) VCF-style: chr5-149509457-G-T.
Other names: c.1250C>A, p.Thr417Lys (NM_001355016.2); c.959C>A, p.Thr320Lys (NM_001355017.2); short protein forms T320K, T417K, T481K.
Identifiers: ClinVar variation 4976512 (VCV004976512.1).

ClinVar aggregate classification (germline): Uncertain significance (1 of 4 stars; one submission).

Submission:

GeneDx
Classification: Uncertain significance. Last evaluated: 2026-02-15. Review status: criteria provided, single submitter. Criteria: GeneDx Variant Classification Process June 2021. Collection method: clinical testing. Allele origin: germline.
Comment: Not observed at significant frequency in large population cohorts (gnomAD); In silico analysis supports that this missense variant has a deleterious effect on protein structure/function; Has not been previously published as pathogenic or benign to our knowledge